The following is an entry in ClinVar:

ClinVar aggregate classification (germline): Benign/Likely benign. Review status: criteria provided, multiple submitters, no conflicts (2 of 4 stars). 4 submissions from 4 submitters: Benign (1); Likely benign (2). 1 of the submissions does not count toward it. Last evaluated 2024-11-26.

Conditions:
ARSL-related disorder. Also called: ARSL-related condition.
Connective tissue disorder. Also called: Connective tissue disease. Identifiers: MedGen C0009782, MONDO:0003900.
Epilepsy. Also called: Seizure disorder. Identifiers: MedGen C0014544, MeSH D004827, MONDO:0005027.

Submissions (4):

Blueprint Genetics
Classification: Likely benign. Last evaluated: 2024-11-26. Review status: criteria provided, single submitter. Criteria: ACMG Guidelines, 2015. Collection method: clinical testing. Allele origin: germline.

Genome Diagnostics Laboratory, The Hospital for Sick Children
Classification: Likely benign for Connective tissue disorder. Last evaluated: 2020-05-01. Review status: criteria provided, single submitter. Criteria: ACMG Guidelines, 2015. Collection method: clinical testing. Allele origin: germline.

Cambridge Genomics Laboratory, East Genomic Laboratory Hub, NHS Genomic Medicine Service
Classification: Benign for Epilepsy. Last evaluated: 2020-04-21. Review status: criteria provided, single submitter. Criteria: ACGS Best Practice Guidelines for Variant Classification in Rare Disease 2020. Collection method: clinical testing. Allele origin: germline. Affected: yes. Observed: 1 variant allele.

PreventionGenetics, part of Exact Sciences
Classification: Likely benign for ARSL-related condition. Last evaluated: 2023-07-12. Review status: no assertion criteria provided. Collection method: clinical testing. Allele origin: germline. Not counted in ClinVar's aggregate classification.
Comment: This variant is classified as likely benign based on ACMG/AMP sequence variant interpretation guidelines (Richards et al. 2015 PMID: 25741868, with internal and published modifications).

NM_000047.3(ARSL):c.-14GA[4]

Gene: ARSL (arylsulfatase L; minus strand). Cytogenetic location: Xp22.33.
Variant type: Microsatellite.
Coding change: c.-14GA[4] on transcript NM_000047.3 (MANE Select); four copies in a row of the 2-base unit GA starting at c.-14; the reference has five copies in a row; one copy, 2 bases deleted.
Molecular consequence: 5 prime UTR variant. On other transcripts: frameshift variant (1).
Genome position (GRCh38, 1-based): chrX:2,960,405-2,960,406, TC deleted on the plus strand (GA on the coding strand, the reverse complement: ARSL is on the minus strand); deleting any 2 consecutive bases within chrX:2,960,405-2,960,415 gives the same sequence; the position shown is the placement nearest the transcript's 3' end. VCF-style (leftmost placement, unchanged base first): chrX-2960404-GTC-G. GRCh37 (hg19) VCF-style: chrX-2878445-GTC-G.
Other names: c.22_23delGA (NM_001282631.1); c.-225GA[4] (NM_001282628.2, NM_001369080.1); c.-14GA[4] (NM_001282631.2); c.22_23del, p.Asp8fs (NM_001369079.1); short protein forms D8fs.
Identifiers: ClinVar variation 1702383 (VCV001702383.7), dbSNP rs200332753, ClinGen allele CA10338296.